The following is an entry in ClinVar:

NM_001144757.3(SCG5):c.446A>G (p.His149Arg)

Genes: ARHGAP11A-SCG5 (ARHGAP11A-SCG5 readthrough; plus strand), SCG5 (secretogranin V; plus strand). Cytogenetic location: 15q13.3.
Variant type: single nucleotide variant.
Coding change: c.446A>G on transcript NM_001144757.3 (MANE Select); coding-DNA position 446, A replaced by G.
Protein change: p.His149Arg; replaces histidine 149 with arginine.
Molecular consequence: missense variant.
Genome position (GRCh38, 1-based): chr15:32,684,626, A>G. VCF-style: chr15-32684626-A-G. GRCh37 (hg19) VCF-style: chr15-32976827-A-G.
Other names: c.446A>G, p.His149Arg (NM_001394278.1); c.443A>G, p.His148Arg (NM_001394279.1, NM_003020.5); c.1685A>G, p.His562Arg (NM_001368319.1); short protein forms H562R, H148R, H149R.
Identifiers: ClinVar variation 5029055 (VCV005029055.1).

ClinVar aggregate classification (germline): Uncertain significance (1 of 4 stars; one submission).

gnomAD v4.1: 2 of 1,613,828 alleles (0.00012%); highest among the groups gnomAD compares: East Asian, 0.0045%; no homozygotes.

Submission:

Ambry Genetics
Classification: Uncertain significance. Last evaluated: 2026-07-01. Review status: criteria provided, single submitter. Criteria: Ambry Variant Classification Scheme 2023. Collection method: clinical testing. Allele origin: germline.
Comment: The p.H149R variant (also known as c.446A>G), located in coding exon 3 of the SCG5 gene, results from an A to G substitution at nucleotide position 446. The histidine at codon 149 is replaced by arginine, an amino acid with highly similar properties. This amino acid position is conserved. In addition, the in silico prediction for this alteration is inconclusive. Based on the available evidence, the clinical significance of this variant remains unclear.